The following is an entry in ClinVar:

NM_001354930.2(RIPK1):c.1951C>T (p.Gln651Ter)

Gene: RIPK1 (receptor interacting serine/threonine kinase 1; plus strand). Cytogenetic location: 6p25.2.
Variant type: single nucleotide variant.
Coding change: c.1951C>T on transcript NM_001354930.2 (MANE Select); coding-DNA position 1951, C replaced by T.
Protein change: p.Gln651Ter; replaces glutamine 651 with a stop codon.
Molecular consequence: nonsense.
Genome position (GRCh38, 1-based): chr6:3,113,274, C>T. VCF-style: chr6-3113274-C-T. GRCh37 (hg19) VCF-style: chr6-3113508-C-T.
Other names: c.1462C>T, p.Gln488Ter (NM_001317061.3, NM_001354932.2, NM_001354933.2 and 1 more transcripts); c.1813C>T, p.Gln605Ter (NM_001354931.2); c.1951C>T, p.Gln651Ter (NM_003804.6); short protein forms Q488*, Q651*, Q605*.
Identifiers: ClinVar variation 3658715 (VCV003658715.2).

ClinVar aggregate classification (germline): Uncertain significance (1 of 4 stars; one submission).

Submission:

Labcorp Genetics (formerly Invitae), Labcorp
Classification: Uncertain significance. Last evaluated: 2024-07-04. Review status: criteria provided, single submitter. Criteria: Invitae Variant Classification Sherloc (09022015). Collection method: clinical testing. Allele origin: germline.
Comment: This sequence change creates a premature translational stop signal (p.Gln651*) in the RIPK1 gene. While this is not anticipated to result in nonsense mediated decay, it is expected to disrupt the last 21 amino acid(s) of the RIPK1 protein. This variant is not present in population databases (gnomAD no frequency). This variant has not been reported in the literature in individuals affected with RIPK1-related conditions. Experimental studies and prediction algorithms are not available or were not evaluated, and the functional significance of this variant is currently unknown. In summary, the available evidence is currently insufficient to determine the role of this variant in disease. Therefore, it has been classified as a Variant of Uncertain Significance.